The following is an entry in ClinVar:

ClinVar aggregate classification (germline): Benign (0 of 4 stars; one submission).

Conditions:
IQCE-related disorder. Also called: IQCE-related condition.

Allele frequency attached by ClinVar (database versions not stated): 1000 Genomes Project 0.00938; 1000 Genomes Project 30x 0.00953; TOPMed 0.01072; gnomAD 0.01245; ESP Exome Variant Server 0.01330; ExAC 0.01752.
gnomAD v4.1: 27,760 of 1,610,286 alleles (1.7%); highest among the groups gnomAD compares: South Asian, 2.6%; 311 homozygotes.

Submission:

PreventionGenetics, part of Exact Sciences
Classification: Benign for IQCE-related condition. Last evaluated: 2019-05-23. Review status: no assertion criteria provided. Collection method: clinical testing. Allele origin: germline.
Comment: This variant is classified as benign based on ACMG/AMP sequence variant interpretation guidelines (Richards et al. 2015 PMID: 25741868, with internal and published modifications).

NM_152558.5(IQCE):c.2057C>T (p.Pro686Leu)

Gene: IQCE (IQ motif containing E; plus strand). Cytogenetic location: 7p22.3.
Variant type: single nucleotide variant.
Coding change: c.2057C>T on transcript NM_152558.5 (MANE Select); coding-DNA position 2057, C replaced by T.
Protein change: p.Pro686Leu; replaces proline 686 with leucine.
Molecular consequence: missense variant.
Genome position (GRCh38, 1-based): chr7:2,610,131, C>T. VCF-style: chr7-2610131-C-T. GRCh37 (hg19) VCF-style: chr7-2649765-C-T.
Other names: c.1862C>T, p.Pro621Leu (NM_001287501.2); c.2009C>T, p.Pro670Leu (NM_001410865.1); short protein forms P621L, P670L, P686L.
Identifiers: ClinVar variation 3037606 (VCV003037606.2), dbSNP rs77267206, ClinGen allele CA4129656.